The following is an entry in ClinVar:

NM_002519.3(NPAT):c.446C>T (p.Thr149Ile)

Gene: NPAT (nuclear protein, coactivator of histone transcription; minus strand). Cytogenetic location: 11q22.3.
Variant type: single nucleotide variant.
Coding change: c.446C>T on transcript NM_002519.3 (MANE Select); coding-DNA position 446, C replaced by T.
Protein change: p.Thr149Ile; replaces threonine 149 with isoleucine.
Molecular consequence: missense variant.
Genome position (GRCh38, 1-based): chr11:108,189,216, G>A on the plus strand (C>T on the coding strand, the complement: NPAT is on the minus strand). VCF-style: chr11-108189216-G-A. GRCh37 (hg19) VCF-style: chr11-108059943-G-A.
Other names: c.446C>T, p.Thr149Ile (NM_001321307.1); short protein forms T149I.
Identifiers: ClinVar variation 3222631 (VCV003222631.1), dbSNP rs1355532699, ClinGen allele CA382524708.

ClinVar aggregate classification (germline): Uncertain significance (1 of 4 stars; one submission).

Submission:

Ambry Genetics
Classification: Uncertain significance. Last evaluated: 2024-03-01. Review status: criteria provided, single submitter. Criteria: Ambry Variant Classification Scheme 2023. Collection method: clinical testing. Allele origin: germline.
Comment: The p.T149I variant (also known as c.446C>T), located in coding exon 6 of the NPAT gene, results from a C to T substitution at nucleotide position 446. The threonine at codon 149 is replaced by isoleucine, an amino acid with similar properties. This amino acid position is conserved. In addition, this alteration is predicted to be tolerated by in silico analysis. Based on the available evidence, the clinical significance of this alteration remains unclear.